The following is an entry in ClinVar:

ClinVar aggregate classification (germline): Uncertain significance (1 of 4 stars; one submission).

Conditions:
Carnitine palmitoyltransferase II deficiency. Also called: Carnitine Palmitoyltransferase 2 Deficiency. Identifiers: Orphanet 157, MedGen C0342790, MONDO:0015515.

Submission:

Labcorp Genetics (formerly Invitae), Labcorp
Classification: Uncertain significance for Carnitine palmitoyltransferase II deficiency. Last evaluated: 2021-12-15. Review status: criteria provided, single submitter. Criteria: Invitae Variant Classification Sherloc (09022015). Collection method: clinical testing. Allele origin: germline.
Comment: This variant has not been reported in the literature in individuals affected with CPT2-related conditions. This variant is not present in population databases (gnomAD no frequency). This sequence change replaces isoleucine, which is neutral and non-polar, with leucine, which is neutral and non-polar, at codon 621 of the CPT2 protein (p.Ile621Leu). Advanced modeling of protein sequence and biophysical properties (such as structural, functional, and spatial information, amino acid conservation, physicochemical variation, residue mobility, and thermodynamic stability) performed at Invitae indicates that this missense variant is not expected to disrupt CPT2 protein function. In summary, the available evidence is currently insufficient to determine the role of this variant in disease. Therefore, it has been classified as a Variant of Uncertain Significance.

NM_000098.3(CPT2):c.1861A>C (p.Ile621Leu)

Gene: CPT2 (carnitine palmitoyltransferase 2; plus strand). Cytogenetic location: 1p32.3.
Variant type: single nucleotide variant.
Coding change: c.1861A>C on transcript NM_000098.3 (MANE Select); coding-DNA position 1861, A replaced by C.
Protein change: p.Ile621Leu; replaces isoleucine 621 with leucine.
Molecular consequence: missense variant.
Genome position (GRCh38, 1-based): chr1:53,213,479, A>C. VCF-style: chr1-53213479-A-C. GRCh37 (hg19) VCF-style: chr1-53679151-A-C.
Other names: c.1792A>C, p.Ile598Leu (NM_001330589.2); short protein forms I621L, I598L.
Identifiers: ClinVar variation 1507836 (VCV001507836.6), dbSNP rs1572387467, ClinGen allele CA340397807.